The following is an entry in ClinVar:

ClinVar aggregate classification (germline): Benign. Review status: criteria provided, multiple submitters, no conflicts (2 of 4 stars). 2 submissions from 2 submitters: Benign (2). Last evaluated 2018-01-12.

Conditions:
Ellis-van Creveld syndrome (EVC). Also called: EVC-Related Ellis-van Creveld Syndrome; EVC2-Related Ellis-van Creveld Syndrome; MESOECTODERMAL DYSPLASIA; Chondroectodermal dysplasia. Identifiers: Orphanet 289, MedGen C0013903, MONDO:0009162, OMIM 225500.

Allele frequency attached by ClinVar (database versions not stated): 1000 Genomes Project 0.08147; 1000 Genomes Project 30x 0.08167; TOPMed 0.11701; gnomAD 0.12330 and 0.12593; gnomAD exomes 0.13265.
gnomAD v4.1: 18,714 of 152,324 alleles (12%); highest among the groups gnomAD compares: Non-Finnish European, 16%; 1,323 homozygotes.

Submissions (2):

Illumina Laboratory Services, Illumina
Classification: Benign for Ellis-van Creveld syndrome. Last evaluated: 2018-01-12. Review status: criteria provided, single submitter. Criteria: ICSL Variant Classification Criteria 13 December 2019. Collection method: clinical testing. Allele origin: germline.
Comment: This variant was observed in the ICSL laboratory as part of a predisposition screen in an ostensibly healthy population. It had not been previously curated by ICSL or reported in the Human Gene Mutation Database (HGMD: prior to June 1st, 2018), and was therefore a candidate for classification through an automated scoring system. Utilizing variant allele frequency, disease prevalence and penetrance estimates, and inheritance mode, an automated score was calculated to assess if this variant is too frequent to cause the disease. Based on the score and internal cut-off values, a variant classified as benign is not then subjected to further curation. The score for this variant resulted in a classification of benign for this disease.

Breakthrough Genomics
Classification: Benign. Review status: criteria provided, single submitter. Criteria: ACMG Guidelines, 2015. Collection method: not provided. Allele origin: germline. Inheritance: Autosomal recessive inheritance. Affected: yes.

NM_153717.3(EVC):c.*3165T>C

Gene: EVC (EvC ciliary complex subunit 1; plus strand). Cytogenetic location: 4p16.2.
Variant type: single nucleotide variant.
Coding change: c.*3165T>C on transcript NM_153717.3 (MANE Select); 3165 bases downstream of the stop codon, T replaced by C.
Molecular consequence: 3 prime UTR variant.
Genome position (GRCh38, 1-based): chr4:5,814,202, T>C. VCF-style: chr4-5814202-T-C. GRCh37 (hg19) VCF-style: chr4-5815929-T-C.
Other names: c.*3165T>C (NM_001306090.2).
Identifiers: ClinVar variation 349284 (VCV000349284.6), dbSNP rs3755847, ClinGen allele CA10621438.